The following is an entry in ClinVar:

NM_001005373.4(LRSAM1):c.1153G>A (p.Val385Ile)

Gene: LRSAM1 (leucine rich repeat and sterile alpha motif containing 1; plus strand). Cytogenetic location: 9q33.3.
Variant type: single nucleotide variant.
Coding change: c.1153G>A on transcript NM_001005373.4 (MANE Select); coding-DNA position 1153, G replaced by A.
Protein change: p.Val385Ile; replaces valine 385 with isoleucine.
Molecular consequence: missense variant. On other transcripts: non-coding transcript variant (2).
Genome position (GRCh38, 1-based): chr9:127,483,014, G>A. VCF-style: chr9-127483014-G-A. GRCh37 (hg19) VCF-style: chr9-130245293-G-A.
Other names: p.Val385Ile; c.1153G>A, p.Val385Ile (NM_001005374.4, NM_001190723.3, NM_001384142.1 and 2 more transcripts); c.364G>A, p.Val122Ile (NM_001384144.1); c.1153G>A (NM_138361.4); short protein forms V385I, V122I.
Identifiers: ClinVar variation 578496 (VCV000578496.41), dbSNP rs373570877, ClinGen allele CA5246855.

ClinVar aggregate classification (germline): Conflicting classifications of pathogenicity. Review status: criteria provided, conflicting classifications (1 of 4 stars). 7 submissions from 7 submitters: Uncertain significance (4); Likely benign (3). Last evaluated 2026-05-13.

Conditions:
LRSAM1-related disorder. Also called: LRSAM1-related condition.
Inborn genetic diseases. Identifiers: MedGen C0950123, MeSH D030342.
Charcot-Marie-Tooth disease axonal type 2P. Also called: Charcot-Marie-Tooth Neuropathy Type 2G; CHARCOT-MARIE-TOOTH DISEASE, AXONAL, TYPE 2G; CMT 2G; CHARCOT-MARIE-TOOTH NEUROPATHY, TYPE 2P. Identifiers: Orphanet 300319, Orphanet 99941, MedGen C3280797, MONDO:0013753, OMIM 614436.

Allele frequency attached by ClinVar (database versions not stated): ESP Exome Variant Server 0.00008; gnomAD exomes 0.00008 and 0.00009; gnomAD 0.00009; TOPMed 0.00011; ExAC 0.00019.
gnomAD v4.1: 135 of 1,604,106 alleles (0.0084%); highest among the groups gnomAD compares: Middle Eastern, 0.17%; no homozygotes.

Submissions (7):

PreventionGenetics, part of Exact Sciences
Classification: Uncertain significance for LRSAM1-related condition. Last evaluated: 2026-05-13. Review status: criteria provided, single submitter. Criteria: ACMG Guidelines, 2015. Collection method: clinical testing. Allele origin: germline.
Comment: The LRSAM1 c.1153G>A variant is predicted to result in the amino acid substitution p.Val385Ile. To our knowledge, this variant has not been reported in the literature. This variant is reported in 0.021% of alleles in individuals of Latino descent in gnomAD. At this time, the clinical significance of this variant is uncertain due to the absence of conclusive functional and genetic evidence.

Labcorp Genetics (formerly Invitae), Labcorp
Classification: Uncertain significance for Charcot-Marie-Tooth disease axonal type 2P. Last evaluated: 2025-10-26. Review status: criteria provided, single submitter. Criteria: Invitae Variant Classification Sherloc (09022015). Collection method: clinical testing. Allele origin: germline.
Comment: This sequence change replaces valine, which is neutral and non-polar, with isoleucine, which is neutral and non-polar, at codon 385 of the LRSAM1 protein (p.Val385Ile). This variant is present in population databases (rs373570877, gnomAD 0.02%). This variant has not been reported in the literature in individuals affected with LRSAM1-related conditions. ClinVar contains an entry for this variant (Variation ID: 578496). Invitae Evidence Modeling of protein sequence and biophysical properties (such as structural, functional, and spatial information, amino acid conservation, physicochemical variation, residue mobility, and thermodynamic stability) indicates that this missense variant is not expected to disrupt LRSAM1 protein function with a negative predictive value of 80%. In summary, the available evidence is currently insufficient to determine the role of this variant in disease. Therefore, it has been classified as a Variant of Uncertain Significance.

Blueprint Genetics
Classification: Likely benign. Last evaluated: 2024-11-06. Review status: criteria provided, single submitter. Criteria: ACMG Guidelines, 2015. Collection method: clinical testing. Allele origin: germline.

CeGaT Center for Human Genetics Tuebingen
Classification: Uncertain significance. Last evaluated: 2024-02-01. Review status: criteria provided, single submitter. Criteria: CeGaT Center For Human Genetics Tuebingen Variant Classification Criteria Version 2. Collection method: clinical testing. Allele origin: germline. Affected: yes. Observed: 1 variant allele.
Comment: LRSAM1: PM2, BP4

Ambry Genetics
Classification: Likely benign for Inborn genetic diseases. Last evaluated: 2022-06-09. Review status: criteria provided, single submitter. Criteria: Ambry Variant Classification Scheme 2023. Collection method: clinical testing. Allele origin: germline.

Mayo Clinic Laboratories, Mayo Clinic
Classification: Uncertain significance. Last evaluated: 2022-04-19. Review status: criteria provided, single submitter. Criteria: ACMG Guidelines, 2015. Collection method: clinical testing. Allele origin: germline. Observed: 1 variant allele.
Comment: BP4

Illumina Laboratory Services, Illumina
Classification: Likely benign for Charcot-Marie-Tooth disease axonal type 2P. Last evaluated: 2018-01-13. Review status: criteria provided, single submitter. Criteria: ICSL Variant Classification Criteria 13 December 2019. Collection method: clinical testing. Allele origin: germline.
Comment: This variant was observed in the ICSL laboratory as part of a predisposition screen in an ostensibly healthy population. It had not been previously curated by ICSL or reported in the Human Gene Mutation Database (HGMD: prior to June 1st, 2018), and was therefore a candidate for classification through an automated scoring system. Utilizing variant allele frequency, disease prevalence and penetrance estimates, and inheritance mode, an automated score was calculated to assess if this variant is too frequent to cause the disease. Based on the score and internal cut-off values, a variant classified as likely benign is not then subjected to further curation. The score for this variant resulted in a classification of likely benign for this disease.